The following is an entry in ClinVar:

NM_000494.4(COL17A1):c.3539dup (p.Gly1181fs)

Gene: COL17A1 (collagen type XVII alpha 1 chain; minus strand). Cytogenetic location: 10q25.1.
Variant type: Duplication.
Coding change: c.3539dup on transcript NM_000494.4 (MANE Select); coding-DNA position 3539, one base duplicated (C; older notation c.3539dupC).
Protein change: p.Gly1181fs; shifts the reading frame from glycine 1181.
Molecular consequence: frameshift variant.
Genome position (GRCh38, 1-based): chr10:104,035,343, G duplicated on the plus strand (C on the coding strand, the reverse complement: COL17A1 is on the minus strand); the first of 5 consecutive G bases (chr10:104,035,343-104,035,347); duplicating any one gives the same sequence. VCF-style (leftmost placement, unchanged base first): chr10-104035342-T-TG. GRCh37 (hg19) VCF-style: chr10-105795100-T-TG.
Other names: short protein forms G1181fs.
Identifiers: ClinVar variation 973530 (VCV000973530.5), dbSNP rs2086266709, ClinGen allele CA1139661681.
Genomic context (GRCh38, chr10:104,035,342, plus strand): 5'-GTCCTCCACGCTGATGCTGGACCACACATTGCCTGGGATCCCTGGTGGACCCGGGGGACC[T>TG]GGGGGTCCAACGATGCCTCTGAATTCAGACCCTGAGACACCAAGGGAGGGCACGGAGTCA-3'

ClinVar aggregate classification (germline): Pathogenic/Likely pathogenic. Review status: criteria provided, multiple submitters, no conflicts (2 of 4 stars). 3 submissions from 3 submitters: Pathogenic (2); Likely pathogenic (1). Last evaluated 2024-12-30.

Conditions:
Junctional epidermolysis bullosa. Identifiers: Orphanet 305, MedGen C0079301, MONDO:0017612.

Submissions (3):

GeneDx
Classification: Pathogenic. Last evaluated: 2024-12-30. Review status: criteria provided, single submitter. Criteria: GeneDx Variant Classification Process June 2021. Collection method: clinical testing. Allele origin: germline. Affected: yes.
Comment: Observed in apparent homozygous state in patients with junctional epidermolysis bullosa in the literature and not observed in homozygous state in controls (PMID: 33083013, 33393081); Frameshift variant predicted to result in protein truncation or nonsense mediated decay in a gene for which loss of function is a known mechanism of disease; Not observed at significant frequency in large population cohorts (gnomAD); This variant is associated with the following publications: (PMID: 33083013, 33393081)

Labcorp Genetics (formerly Invitae), Labcorp
Classification: Pathogenic. Last evaluated: 2022-12-16. Review status: criteria provided, single submitter. Criteria: Invitae Variant Classification Sherloc (09022015). Collection method: clinical testing. Allele origin: germline.
Comment: This premature translational stop signal has been observed in individual(s) with inherited junctional epidermolysis bullosa (PMID: 33393081). ClinVar contains an entry for this variant (Variation ID: 973530). For these reasons, this variant has been classified as Pathogenic. This variant is not present in population databases (gnomAD no frequency). This sequence change creates a premature translational stop signal (p.Gly1181Argfs*61) in the COL17A1 gene. It is expected to result in an absent or disrupted protein product. Loss-of-function variants in COL17A1 are known to be pathogenic (PMID: 16473856, 17344927, 20301304, 21357940, 24319098).

CENTOGENE GmbH and LLC - Guiding Precision Medicine
Classification: Likely pathogenic for Junctional epidermolysis bullosa. Review status: criteria provided, single submitter. Criteria: ACMG Guidelines, 2015. Collection method: clinical testing. Allele origin: germline. Affected: yes.

Literature cited by the submitters: PubMed 33393081 (cited by Labcorp Genetics (formerly Invitae), Labcorp); PubMed 16473856 (cited by Labcorp Genetics (formerly Invitae), Labcorp); PubMed 17344927 (cited by Labcorp Genetics (formerly Invitae), Labcorp); PubMed 20301304 (cited by Labcorp Genetics (formerly Invitae), Labcorp); PubMed 21357940 (cited by Labcorp Genetics (formerly Invitae), Labcorp); PubMed 24319098 (cited by Labcorp Genetics (formerly Invitae), Labcorp).